The following is an entry in ClinVar:

ClinVar aggregate classification (germline): Uncertain significance (1 of 4 stars; one submission).

Submission:

Labcorp Genetics (formerly Invitae), Labcorp
Classification: Uncertain significance. Last evaluated: 2023-03-18. Review status: criteria provided, single submitter. Criteria: Invitae Variant Classification Sherloc (09022015). Collection method: clinical testing. Allele origin: germline.
Comment: In summary, the available evidence is currently insufficient to determine the role of this variant in disease. Therefore, it has been classified as a Variant of Uncertain Significance. Advanced modeling of protein sequence and biophysical properties (such as structural, functional, and spatial information, amino acid conservation, physicochemical variation, residue mobility, and thermodynamic stability) performed at Invitae indicates that this missense variant is not expected to disrupt FREM1 protein function. This variant has not been reported in the literature in individuals affected with FREM1-related conditions. This variant is not present in population databases (gnomAD no frequency). This sequence change replaces phenylalanine, which is neutral and non-polar, with leucine, which is neutral and non-polar, at codon 240 of the FREM1 protein (p.Phe240Leu).

NM_001379081.2(FREM1):c.718T>C (p.Phe240Leu)

Gene: FREM1 (FRAS1 related extracellular matrix 1; minus strand). Cytogenetic location: 9p22.3.
Variant type: single nucleotide variant.
Coding change: c.718T>C on transcript NM_001379081.2 (MANE Select); coding-DNA position 718, T replaced by C.
Protein change: p.Phe240Leu; replaces phenylalanine 240 with leucine.
Molecular consequence: missense variant. On other transcripts: non-coding transcript variant (4).
Genome position (GRCh38, 1-based): chr9:14,857,663, A>G on the plus strand (T>C on the coding strand, the complement: FREM1 is on the minus strand). VCF-style: chr9-14857663-A-G. GRCh37 (hg19) VCF-style: chr9-14857661-A-G.
Other names: c.745T>C, p.Phe249Leu (NM_001370060.1); c.718T>C, p.Phe240Leu (NM_001370063.1, NM_001370065.1, NM_144966.7); short protein forms F249L, F240L.
Identifiers: ClinVar variation 2819538 (VCV002819538.3), dbSNP rs1212689636, ClinGen allele CA372963381.